The following is an entry in ClinVar:

ClinVar aggregate classification (germline): Uncertain significance. Review status: criteria provided, multiple submitters, no conflicts (2 of 4 stars). 2 submissions from 2 submitters: Uncertain significance (2). Last evaluated 2025-07-29.

Conditions:
Inborn genetic diseases. Identifiers: MedGen C0950123, MeSH D030342.
Fanconi anemia (FA). Also called: Fanconi's anemia. Identifiers: Orphanet 84, MedGen C0015625, MeSH D005199, MONDO:0019391.

gnomAD v4.1: 2 of 1,614,232 alleles (0.00012%); highest among the groups gnomAD compares: African/African-American, 0.0013%; no homozygotes.

Submissions (2):

Labcorp Genetics (formerly Invitae), Labcorp
Classification: Uncertain significance for Fanconi anemia. Last evaluated: 2025-07-29. Review status: criteria provided, single submitter. Criteria: Invitae Variant Classification Sherloc (09022015). Collection method: clinical testing. Allele origin: germline.
Comment: This sequence change replaces glutamic acid, which is acidic and polar, with aspartic acid, which is acidic and polar, at codon 370 of the FANCA protein (p.Glu370Asp). This variant is present in population databases (rs760827355, gnomAD 0.0009%). This variant has not been reported in the literature in individuals affected with FANCA-related conditions. ClinVar contains an entry for this variant (Variation ID: 4022381). Invitae Evidence Modeling of protein sequence and biophysical properties (such as structural, functional, and spatial information, amino acid conservation, physicochemical variation, residue mobility, and thermodynamic stability) indicates that this missense variant is not expected to disrupt FANCA protein function with a negative predictive value of 95%. In summary, the available evidence is currently insufficient to determine the role of this variant in disease. Therefore, it has been classified as a Variant of Uncertain Significance.

Ambry Genetics
Classification: Uncertain significance for Inborn genetic diseases. Last evaluated: 2025-06-14. Review status: criteria provided, single submitter. Criteria: Ambry Variant Classification Scheme 2023. Collection method: clinical testing. Allele origin: germline.
Comment: The p.E370D variant (also known as c.1110G>C), located in coding exon 13 of the FANCA gene, results from a G to C substitution at nucleotide position 1110. The glutamic acid at codon 370 is replaced by aspartic acid, an amino acid with highly similar properties. This amino acid position is conserved. In addition, this alteration is predicted to be tolerated by in silico analysis. Based on the available evidence, the clinical significance of this variant remains unclear.

NM_000135.4(FANCA):c.1110G>C (p.Glu370Asp)

Gene: FANCA (FA complementation group A; minus strand). Cytogenetic location: 16q24.3.
Variant type: single nucleotide variant.
Coding change: c.1110G>C on transcript NM_000135.4 (MANE Select); coding-DNA position 1110, G replaced by C.
Protein change: p.Glu370Asp; replaces glutamic acid 370 with aspartic acid.
Molecular consequence: missense variant.
Genome position (GRCh38, 1-based): chr16:89,792,042, C>G on the plus strand (G>C on the coding strand, the complement: FANCA is on the minus strand). VCF-style: chr16-89792042-C-G. GRCh37 (hg19) VCF-style: chr16-89858450-C-G.
Other names: c.1110G>C, p.Glu370Asp (NM_001286167.3); short protein forms E370D.
Identifiers: ClinVar variation 4022381 (VCV004022381.2).